The following is an entry in ClinVar:

NM_001371727.1(GABRB2):c.1298C>G (p.Ala433Gly)

Gene: GABRB2 (gamma-aminobutyric acid type A receptor subunit beta2; minus strand). Cytogenetic location: 5q34.
Variant type: single nucleotide variant.
Coding change: c.1298C>G on transcript NM_001371727.1 (MANE Select); coding-DNA position 1298, C replaced by G.
Protein change: p.Ala433Gly; replaces alanine 433 with glycine.
Molecular consequence: missense variant.
Genome position (GRCh38, 1-based): chr5:161,294,322, G>C on the plus strand (C>G on the coding strand, the complement: GABRB2 is on the minus strand). VCF-style: chr5-161294322-G-C. GRCh37 (hg19) VCF-style: chr5-160721329-G-C.
Other names: c.1184C>G, p.Ala395Gly (NM_000813.3); c.1298C>G, p.Ala433Gly (NM_021911.3); short protein forms A395G, A433G.
Identifiers: ClinVar variation 3718300 (VCV003718300.2).
Genomic context (GRCh38, chr5:161,294,322, plus strand): 5'-CGGCCAAAACTATGCCTGGGCAACCCAGCTTTCCGATACTGGATGCTGGAGGCATCATAG[G>C]CTAGCATTGTGCTTCTGGGGTCTCCAAGTCCCATCACAGCCTCAGATGTGGCCATTTCAT-3'
Protein context (NP_001358656.1, residues 423-443): GLGDPRSTML[Ala433Gly]YDASSIQYRK

ClinVar aggregate classification (germline): Uncertain significance (1 of 4 stars; one submission).

Conditions:
Intellectual disability. Also called: Intellectual developmental disorder; Intellectual functioning disability; intellectual disabilities. Identifiers: MedGen C3714756, MeSH D008607, MONDO:0001071, HP:0001249.

Submission:

Labcorp Genetics (formerly Invitae), Labcorp
Classification: Uncertain significance for Intellectual disability. Last evaluated: 2024-08-06. Review status: criteria provided, single submitter. Criteria: Invitae Variant Classification Sherloc (09022015). Collection method: clinical testing. Allele origin: germline.
Comment: This sequence change replaces alanine, which is neutral and non-polar, with glycine, which is neutral and non-polar, at codon 433 of the GABRB2 protein (p.Ala433Gly). This variant is not present in population databases (gnomAD no frequency). This variant has not been reported in the literature in individuals affected with GABRB2-related conditions. Advanced modeling of protein sequence and biophysical properties (such as structural, functional, and spatial information, amino acid conservation, physicochemical variation, residue mobility, and thermodynamic stability) performed at Invitae indicates that this missense variant is not expected to disrupt GABRB2 protein function with a negative predictive value of 95%. In summary, the available evidence is currently insufficient to determine the role of this variant in disease. Therefore, it has been classified as a Variant of Uncertain Significance.